The following is an entry in ClinVar:

ClinVar aggregate classification (germline): Likely benign. Review status: criteria provided, multiple submitters, no conflicts (2 of 4 stars). 2 submissions from 2 submitters: Likely benign (2). Last evaluated 2025-08-05.

Allele frequency attached by ClinVar (database versions not stated): gnomAD 0.00001 and 0.00003; TOPMed 0.00001; ExAC 0.00006; 1000 Genomes Project 30x 0.00031; 1000 Genomes Project 0.00040.

Submissions (2):

Labcorp Genetics (formerly Invitae), Labcorp
Classification: Likely benign. Last evaluated: 2025-08-05. Review status: criteria provided, single submitter. Criteria: Invitae Variant Classification Sherloc (09022015). Collection method: clinical testing. Allele origin: germline.

Mayo Clinic Laboratories, Mayo Clinic
Classification: Likely benign. Last evaluated: 2025-02-05. Review status: criteria provided, single submitter. Criteria: ACMG Guidelines, 2015. Collection method: clinical testing. Allele origin: germline. Observed: 1 variant allele.
Comment: BP4, BP7

NM_000701.8(ATP1A1):c.2294-4A>G

Genes: ATP1A1 (ATPase Na+/K+ transporting subunit alpha 1; plus strand), ATP1A1-AS1 (ATP1A1 antisense RNA 1; minus strand). Cytogenetic location: 1p13.1.
Variant type: single nucleotide variant.
Coding change: c.2294-4A>G on transcript NM_000701.8 (MANE Select); 4 bases into the intron before coding-DNA position 2294, A replaced by G.
Molecular consequence: intron variant.
Genome position (GRCh38, 1-based): chr1:116,398,926, A>G. VCF-style: chr1-116398926-A-G. GRCh37 (hg19) VCF-style: chr1-116941548-A-G.
Other names: p.?; c.2294-4A>G (NM_001160233.2); c.2201-4A>G (NM_001160234.2).
Identifiers: ClinVar variation 1663577 (VCV001663577.9), dbSNP rs377635301, ClinGen allele CA1025521.